The following is an entry in ClinVar:

NM_031924.8(RSPH3):c.636T>G (p.Asn212Lys)

Gene: RSPH3 (radial spoke head 3; minus strand). Cytogenetic location: 6q25.3.
Variant type: single nucleotide variant.
Coding change: c.636T>G on transcript NM_031924.8 (MANE Select); coding-DNA position 636, T replaced by G.
Protein change: p.Asn212Lys; replaces asparagine 212 with lysine.
Molecular consequence: missense variant. On other transcripts: non-coding transcript variant (1).
Genome position (GRCh38, 1-based): chr6:158,982,545, A>C on the plus strand (T>G on the coding strand, the complement: RSPH3 is on the minus strand). VCF-style: chr6-158982545-A-C. GRCh37 (hg19) VCF-style: chr6-159403577-A-C.
Other names: c.774T>G, p.Asn258Lys (NM_001346418.1); short protein forms N212K, N258K.
Identifiers: ClinVar variation 2035741 (VCV002035741.2), dbSNP rs148930620, ClinGen allele CA4075857.
Genomic context (GRCh38, chr6:158,982,545, plus strand): 5'-TTTTTCTTCTCGGTGTCGCCTCTCTTGCTCTTCAAGTCGTTGAACTTCAGCACGTTCACT[A>C]TTCCGTAGTTCTTCATACTCACGCTGACTGGCCCGCAGGTTAGCCAGCTCTTCTTCTTCC-3'
Protein context (NP_114130.4, residues 202-222): ASQREYEELR[Asn212Lys]SERAEVQRLE

ClinVar aggregate classification (germline): Uncertain significance. Review status: criteria provided, multiple submitters, no conflicts (2 of 4 stars). 2 submissions from 2 submitters: Uncertain significance (2). Last evaluated 2022-08-08.

Conditions:
Primary ciliary dyskinesia 32. Also called: CILIARY DYSKINESIA, PRIMARY, 32, WITHOUT SITUS INVERSUS. Identifiers: Orphanet 244, MedGen C4225311, MONDO:0014657, OMIM 616481.
Inborn genetic diseases. Identifiers: MedGen C0950123, MeSH D030342.

Allele frequency attached by ClinVar (database versions not stated): gnomAD exomes 0.00004; 1000 Genomes Project 30x 0.00016; ExAC 0.00017; 1000 Genomes Project 0.00020; gnomAD 0.00044; TOPMed 0.00050; ESP Exome Variant Server 0.00054.
gnomAD v4.1: 123 of 1,613,702 alleles (0.0076%); highest among the groups gnomAD compares: African/African-American, 0.16%; no homozygotes.

Submissions (2):

Ambry Genetics
Classification: Uncertain significance for Inborn genetic diseases. Last evaluated: 2022-08-08. Review status: criteria provided, single submitter. Criteria: Ambry Variant Classification Scheme 2023. Collection method: clinical testing. Allele origin: germline.

Labcorp Genetics (formerly Invitae), Labcorp
Classification: Uncertain significance for Primary ciliary dyskinesia 32. Last evaluated: 2022-01-15. Review status: criteria provided, single submitter. Criteria: Invitae Variant Classification Sherloc (09022015). Collection method: clinical testing. Allele origin: germline.
Comment: This sequence change replaces asparagine, which is neutral and polar, with lysine, which is basic and polar, at codon 354 of the RSPH3 protein (p.Asn354Lys). This variant is present in population databases (rs148930620, gnomAD 0.1%). This variant has not been reported in the literature in individuals affected with RSPH3-related conditions. Algorithms developed to predict the effect of missense changes on protein structure and function are either unavailable or do not agree on the potential impact of this missense change (SIFT: "Tolerated"; PolyPhen-2: "Possibly Damaging"; Align-GVGD: "Class C15"). In summary, the available evidence is currently insufficient to determine the role of this variant in disease. Therefore, it has been classified as a Variant of Uncertain Significance.